The following is an entry in ClinVar:

NM_001318852.2(MAPK8IP3):c.3941A>C (p.Gln1314Pro)

Gene: MAPK8IP3 (mitogen-activated protein kinase 8 interacting protein 3; plus strand). Cytogenetic location: 16p13.3.
Variant type: single nucleotide variant.
Coding change: c.3941A>C on transcript NM_001318852.2 (MANE Select); coding-DNA position 3941, A replaced by C.
Protein change: p.Gln1314Pro; replaces glutamine 1314 with proline.
Molecular consequence: missense variant.
Genome position (GRCh38, 1-based): chr16:1,768,751, A>C. VCF-style: chr16-1768751-A-C. GRCh37 (hg19) VCF-style: chr16-1818752-A-C.
Other names: c.3920A>C, p.Gln1307Pro (NM_001040439.2); c.3938A>C, p.Gln1313Pro (NM_015133.5); short protein forms Q1307P, Q1313P, Q1314P.
Identifiers: ClinVar variation 3766005 (VCV003766005.1).

ClinVar aggregate classification (germline): Uncertain significance (1 of 4 stars; one submission).

Submission:

GeneDx
Classification: Uncertain significance. Last evaluated: 2024-08-30. Review status: criteria provided, single submitter. Criteria: GeneDx Variant Classification Process June 2021. Collection method: clinical testing. Allele origin: germline. Affected: yes.
Comment: Not observed at significant frequency in large population cohorts (gnomAD); In silico analysis indicates that this missense variant does not alter protein structure/function; Has not been previously published as pathogenic or benign to our knowledge